The following is an entry in ClinVar:

NM_001909.5(CTSD):c.1230C>T (p.Ala410=)

Gene: CTSD (cathepsin D; minus strand). Cytogenetic location: 11p15.5.
Variant type: single nucleotide variant.
Coding change: c.1230C>T on transcript NM_001909.5 (MANE Select); coding-DNA position 1230, C replaced by T.
Protein change: p.Ala410=; no amino-acid change (alanine 410 retained).
Molecular consequence: synonymous variant.
Genome position (GRCh38, 1-based): chr11:1,753,512, G>A on the plus strand (C>T on the coding strand, the complement: CTSD is on the minus strand). VCF-style: chr11-1753512-G-A. GRCh37 (hg19) VCF-style: chr11-1774742-G-A.
Identifiers: ClinVar variation 390033 (VCV000390033.16), dbSNP rs772742148, ClinGen allele CA5813866.

ClinVar aggregate classification (germline): Likely benign. Review status: criteria provided, multiple submitters, no conflicts (2 of 4 stars). 3 submissions from 3 submitters: Likely benign (3). Last evaluated 2025-11-11.

Conditions:
Neuronal ceroid lipofuscinosis. Also called: Neuronal Ceroid Lipofuscinoses. Identifiers: Orphanet 216, Orphanet 79263, MedGen C0027877, MONDO:0016295. Disease mechanism: loss of function.
Inborn genetic diseases. Identifiers: MedGen C0950123, MeSH D030342.

Allele frequency attached by ClinVar (database versions not stated): TOPMed 0.00010; gnomAD 0.00013.

Submissions (3):

Labcorp Genetics (formerly Invitae), Labcorp
Classification: Likely benign for Neuronal ceroid lipofuscinosis. Last evaluated: 2025-11-11. Review status: criteria provided, single submitter. Criteria: Invitae Variant Classification Sherloc (09022015). Collection method: clinical testing. Allele origin: germline.

Ambry Genetics
Classification: Likely benign for Inborn genetic diseases. Last evaluated: 2017-03-15. Review status: criteria provided, single submitter. Criteria: Ambry Variant Classification Scheme 2023. Collection method: clinical testing. Allele origin: germline.

GeneDx
Classification: Likely benign. Last evaluated: 2016-10-19. Review status: criteria provided, single submitter. Criteria: GeneDx Variant Classification (06012015). Collection method: clinical testing. Allele origin: germline. Affected: yes.
Comment: This variant is considered likely benign or benign based on one or more of the following criteria: it is a conservative change, it occurs at a poorly conserved position in the protein, it is predicted to be benign by multiple in silico algorithms, and/or has population frequency not consistent with disease.